The following is an entry in ClinVar:

ClinVar aggregate classification (germline): Pathogenic (1 of 4 stars; one submission).

Conditions:
Neurofibromatosis, type 1 (NF1). Also called: VON RECKLINGHAUSEN DISEASE; Neurofibromatosis, type I; NEUROFIBROMATOSIS, TYPE I, SOMATIC; Peripheral type neurofibromatosis. Identifiers: Orphanet 636, MedGen C0027831, MONDO:0018975, OMIM 162200. Disease mechanism: loss of function.

Submission:

Labcorp Genetics (formerly Invitae), Labcorp
Classification: Pathogenic for Neurofibromatosis, type 1. Last evaluated: 2018-07-21. Review status: criteria provided, single submitter. Criteria: Invitae Variant Classification Sherloc (09022015). Collection method: clinical testing. Allele origin: germline.
Comment: This sequence change creates a premature translational stop signal (p.Ala75Leufs*11) in the NF1 gene. It is expected to result in an absent or disrupted protein product. This variant is not present in population databases (ExAC no frequency). This variant has not been reported in the literature in individuals with NF1-related disease. Loss-of-function variants in NF1 are known to be pathogenic (PMID: 10712197, 23913538). For these reasons, this variant has been classified as Pathogenic.

NM_001042492.3(NF1):c.221_222dup (p.Ala75fs)

Gene: NF1 (neurofibromin 1; plus strand). Cytogenetic location: 17q11.2.
Variant type: Duplication.
Coding change: c.221_222dup on transcript NM_001042492.3 (MANE Select); coding-DNA positions 221 to 222, 2 bases duplicated (CT; older notation c.221_222dupCT).
Protein change: p.Ala75fs; shifts the reading frame from alanine 75.
Molecular consequence: frameshift variant.
Genome position (GRCh38, 1-based): chr17:31,159,026-31,159,027, CT duplicated. VCF-style (leftmost placement, unchanged base first): chr17-31159025-G-GCT. GRCh37 (hg19) VCF-style: chr17-29486043-G-GCT.
Other names: c.221_222dupCT (NM_000267.3); c.221_222dup, p.Ala75Leufs (NM_000267.4); c.221_222dup, p.Ala75fs (NM_001128147.3); short protein forms A75fs.
Identifiers: ClinVar variation 647297 (VCV000647297.1), dbSNP rs1597629724, ClinGen allele CA915949698.
Genomic context (GRCh38, chr17:31,159,025, plus strand): 5'-AGAAAGTGAAACTAACTTTTATGTTCTGAATATCTTTTCTGTTAGAGAATATTTGGAGAA[G>GCT]CTGCTGAAAAAAATTTATATCTCTCTCAGTTGATTATATTGGATACACTGGAAAAATGTC-3'